The following is an entry in ClinVar:

ClinVar aggregate classification (germline): Pathogenic/Likely pathogenic. Review status: criteria provided, multiple submitters, no conflicts (2 of 4 stars). 3 submissions from 3 submitters: Pathogenic (1); Likely pathogenic (2). Last evaluated 2026-04-27.

Conditions:
Retinitis pigmentosa 25 (RP25). Identifiers: Orphanet 791, MedGen C1864446, MONDO:0011272, OMIM 602772.
EYS-related disorder. Also called: EYS-related condition.

Submissions (3):

Myriad Genetics, Inc.
Classification: Pathogenic for Retinitis pigmentosa 25. Last evaluated: 2026-04-27. Review status: criteria provided, single submitter. Criteria: Myriad Autosomal Dominant, Autosomal Recessive and X-Linked Classification Criteria (2023). Collection method: clinical testing. Allele origin: unknown.
Comment: NM_001142800.1(EYS):c.1867delC(L623Ffs*20) is a frameshift variant classified as pathogenic in the context of retinitis pigmentosa, EYS-related. L623Ffs*20 has been observed in a case with relevant disease (PMID: 28559085). Relevant functional assessments of this variant are not available in the literature. L623Ffs*20 has not been observed in referenced population frequency databases. In summary, NM_001142800.1(EYS):c.1867delC(L623Ffs*20) is a frameshift variant in a gene where loss of function is a known mechanism of disease and is predicted to disrupt protein function. Please note: this variant was assessed in the context of healthy population screening.

Baylor Genetics
Classification: Likely pathogenic for Retinitis pigmentosa 25. Last evaluated: 2021-11-13. Review status: criteria provided, single submitter. Criteria: ACMG Guidelines, 2015. Collection method: clinical testing. Allele origin: unknown.

Blueprint Genetics
Classification: Likely pathogenic for EYS-related disorders. Last evaluated: 2019-01-29. Review status: criteria provided, single submitter. Criteria: ACMG Guidelines, 2015. Collection method: clinical testing. Allele origin: germline. Affected: yes. Observed: 1 variant allele.

Literature cited by the submitters: PubMed 28559085 (cited by Myriad Genetics, Inc.).

NM_001142800.2(EYS):c.1867del (p.Leu623fs)

Gene: EYS (EGF-like photoreceptor maintenance factor; minus strand). Cytogenetic location: 6q12.
Variant type: Deletion.
Coding change: c.1867del on transcript NM_001142800.2 (MANE Select); coding-DNA position 1867, one base deleted (C; older notation c.1867delC).
Protein change: p.Leu623fs; shifts the reading frame from leucine 623.
Molecular consequence: frameshift variant.
Genome position (GRCh38, 1-based): chr6:65,296,019, G deleted on the plus strand (C on the coding strand, the reverse complement: EYS is on the minus strand); the first of 3 consecutive G bases (chr6:65,296,019-65,296,021); deleting any one gives the same sequence. VCF-style (leftmost placement, unchanged base first): chr6-65296018-AG-A. GRCh37 (hg19) VCF-style: chr6-66005911-AG-A.
Other names: c.1867del, p.Leu623fs (NM_001292009.2); short protein forms L623fs.
Identifiers: ClinVar variation 2675344 (VCV002675344.3), dbSNP rs2533012994, ClinGen allele CA2679288411.